The following is an entry in ClinVar:

NM_000203.5(IDUA):c.236C>T (p.Ala79Val)

Genes: IDUA (alpha-L-iduronidase; plus strand), SLC26A1 (solute carrier family 26 member 1; minus strand). Cytogenetic location: 4p16.3.
Variant type: single nucleotide variant.
Coding change: c.236C>T on transcript NM_000203.5 (MANE Select); coding-DNA position 236, C replaced by T.
Protein change: p.Ala79Val; replaces alanine 79 with valine.
Molecular consequence: missense variant. On other transcripts: 3 prime UTR variant (2), non-coding transcript variant (1), intron variant (1).
Genome position (GRCh38, 1-based): chr4:987,886, C>T. VCF-style: chr4-987886-C-T. GRCh37 (hg19) VCF-style: chr4-981674-C-T.
Other names: NM_000203.5(IDUA):c.236C>T; c.*947G>A (NM_022042.4, NM_213613.4); c.576+3242G>A (NM_134425.4); c.236C>T (NM_000203.4); short protein forms A79V.
Identifiers: ClinVar variation 1458769 (VCV001458769.16), dbSNP rs747981483, ClinGen allele CA356987.
Genomic context (GRCh38, chr4:987,886, plus strand): 5'-GCCAGGCTGACCAGTACGTCCTCAGCTGGGACCAGCAGCTCAACCTCGCCTATGTGGGCG[C>T]CGTCCCTCACCGCGGCATCAAGCAGGTCCGGACCCACTGGCTGCTGGAGCTTGTCACCAC-3'
Protein context (NP_000194.2, residues 69-89): DQQLNLAYVG[Ala79Val]VPHRGIKQVR

ClinVar aggregate classification (germline): Pathogenic. Review status: reviewed by expert panel (3 of 4 stars). 6 submissions from 6 submitters: Pathogenic (1). 5 of the submissions do not count toward it. Last evaluated 2026-05-04.

Conditions:
Mucopolysaccharidosis type 1. Also called: IDUA deficiency; MPS I; Mucopolysaccharidosis Type I. Identifiers: Orphanet 579, MedGen C0023786, MONDO:0001586.
Hurler syndrome. Also called: Severe MPS I (Hurler Syndrome); MUCOPOLYSACCHARIDOSIS TYPE IH; Gargoylism, Hurler Syndrome. Identifiers: Orphanet 93473, MedGen C0086795, MONDO:0011758, OMIM 607014.
Mucopolysaccharidosis, MPS-I-H/S. Also called: Mucopolysaccharidosis type IH/S. Identifiers: Orphanet 93476, MedGen C0086431, MONDO:0011759, OMIM 607015.
Mucopolysaccharidosis, MPS-I-S. Also called: MUCOPOLYSACCHARIDOSIS TYPE IS; Scheie Syndrome; MPS V; MUCOPOLYSACCHARIDOSIS TYPE V. Identifiers: Orphanet 93474, MedGen C0026708, MONDO:0011760, OMIM 607016.

Allele frequency attached by ClinVar (database versions not stated): gnomAD exomes below 0.00001; ExAC 0.00001; TOPMed 0.00002.

Submissions (6):

ClinGen Lysosomal Storage Disorder Variant Curation Expert Panel
Classification: Pathogenic for Mucopolysaccharidosis type 1. Last evaluated: 2026-05-04. Review status: reviewed by expert panel. Criteria: ClinGen LSD ACMG Specifications IDUA V1.2.0. Collection method: curation. Allele origin: germline. Inheritance: Autosomal recessive inheritance.
Comment: The NM_000203.5(IDUA):c.236C>T variant in IDUA is a missense variant predicted to cause substitution of Alanine by Valine at amino acid 79 (p.Ala79Val). At least 1 patient with this variant had documented IDUA deficiency within the affected range in leukocytes, urinary GAGs elevation above normal range, and clinical features specific to MPS I including hepatosplenomegaly, arthropathy, and corneal involvement (PP4). This variant has been detected in at least 11 individuals with MPS I. Of those individuals, 3 were compound heterozygous, phase confirmed in trans by parental testing, for the variant and a variant in IDUA that has been classified as likely pathogenic or pathogenic by the ClinGen LD VCEP (variants: c.1037T>G (p.Leu346Arg, ClinVar Variation ID: 11927), c.1877G>A (p.Trp626Ter, ClinVar Variation ID: 928997) and c.1402+1G>T (ClinVar Variation ID: 1323099) (3 x 1.0 points = 3.0 points). Another five individuals are compound heterozygous for the variant and a variant in IDUA, either c.536C>G (p.Thr179Arg) (ClinVar Variation ID: 556358), c.589G>A (p.Val197Ile) (ClinVar Variation ID: 2720835), c.265C>T (p.Arg89Trp) (ClinVar Variation ID: 580286), or c.1037T>G (p.Leu346Arg) (ClinVar Variation ID: 11927) (PMIDs: 27520059, 21480867). The allelic data from these individuals will be used in the assessment of the second variant. Three individuals were homozygous for the variant (1 point; PMID: 21480867). Total 4.0 points (PM3_VeryStrong). This variant is absent in gnomAD v4.1.0 (PM2_Supporting). Expression of the variant in CHO-cells resulted in less than 0.1% wild type IDUA activity indicating that this variant may impact protein function (PMID:15300847)(PS3_Supporting). The computational predictor REVEL gives a score of 0.738 which is in the range 0.644-0.773, evidence that correlates with impact to IDUA function at the supporting level (Pejaver et al.) (PP3). Another missense variant c.235G>A (p.Ala79Thr) in the same codon has not yet been reported in a patient with MPS I. Additionally, this other variant has not yet met the criteria to be classified as pathogenic or likely pathogenic by the ClinGen LD VCEP (PM5 not met). There is a ClinVar entry for this variant (Variation ID: 1458769). In summary, this variant meets the criteria to be classified as pathogenic for MPS I based on the IDUA-specific ACMG/AMP criteria applied, as specified by the ClinGen Lysosomal Diseases Variant Curation Expert Panel (Specifications Version 1.2.0): PP4, PM3_VeryStrong, PM2_Supporting, PS3_Supporting, PP3 (Classification approved by the ClinGen Lysosomal Diseases Variant Curation Expert Panel on May 4, 2026)

Natera, Inc.
Classification: Pathogenic for Mucopolysaccharidosis type I. Last evaluated: 2025-08-14. Review status: criteria provided, single submitter. Criteria: Natera Variant Classification Schema (03/2026). Collection method: clinical testing. Allele origin: germline. Not counted in ClinVar's aggregate classification.
Comment: The c.236C>T variant in IDUA is a missense variant predicted to cause substitution of alanine to valine at amino acid 79. This variant is rare in the general population with a frequency below the threshold expected for the associated phenotype(s). This variant has been observed in one or more individuals affected with the associated recessive disease, as either homozygous or compound heterozygous with a second variant (PMID: 21480867). Functional studies show that this variant may disrupt protein function (PMID: 21480867). Computational prediction algorithms indicate this variant is likely to affect gene or protein function. Given the available evidence, this variant is classified as Pathogenic.

Women's Health and Genetics/Laboratory Corporation of America, LabCorp
Classification: Pathogenic for Mucopolysaccharidosis type 1. Last evaluated: 2024-07-23. Review status: criteria provided, single submitter. Criteria: LabCorp Variant Classification Summary - May 2015. Collection method: clinical testing. Allele origin: germline. Not counted in ClinVar's aggregate classification.
Comment: Variant summary: IDUA c.236C>T (p.Ala79Val) results in a non-conservative amino acid change located in the Glycosyl hydrolases family 39, N-terminal catalytic domain (IPR049166) of the encoded protein sequence. Five of five in-silico tools predict a damaging effect of the variant on protein function. The variant allele was found at a frequency of 4.2e-06 in 238030 control chromosomes. c.236C>T has been reported in the literature in multiple homozygous and compound heterozygous individuals affected with Mucopolysaccharidosis Type 1 (e.g. Wang_2012, Ghosh_2017). These data indicate that the variant is very likely to be associated with disease. The following publications have been ascertained in the context of this evaluation (PMID: 28752568, 21480867). ClinVar contains an entry for this variant (Variation ID: 1458769). Based on the evidence outlined above, the variant was classified as pathogenic.

Labcorp Genetics (formerly Invitae), Labcorp
Classification: Pathogenic for Mucopolysaccharidosis type 1. Last evaluated: 2022-10-08. Review status: criteria provided, single submitter. Criteria: Invitae Variant Classification Sherloc (09022015). Collection method: clinical testing. Allele origin: germline. Not counted in ClinVar's aggregate classification.
Comment: Advanced modeling of protein sequence and biophysical properties (such as structural, functional, and spatial information, amino acid conservation, physicochemical variation, residue mobility, and thermodynamic stability) has been performed at Invitae for this missense variant, however the output from this modeling did not meet the statistical confidence thresholds required to predict the impact of this variant on IDUA protein function. For these reasons, this variant has been classified as Pathogenic. Experimental studies have shown that this missense change affects IDUA function (PMID: 12189649). ClinVar contains an entry for this variant (Variation ID: 1458769). This missense change has been observed in individual(s) with mucopolysaccharidosis type I (PMID: 15300847, 21462124, 21734815). The frequency data for this variant in the population databases is considered unreliable, as metrics indicate poor data quality at this position in the gnomAD database. This sequence change replaces alanine, which is neutral and non-polar, with valine, which is neutral and non-polar, at codon 79 of the IDUA protein (p.Ala79Val).

Revvity Omics, Revvity
Classification: Uncertain significance. Last evaluated: 2020-06-19. Review status: criteria provided, single submitter. Criteria: ACMG Guidelines, 2015. Collection method: clinical testing. Allele origin: germline. Not counted in ClinVar's aggregate classification.

Juno Genomics, Hangzhou Juno Genomics, Inc
Classification: Likely pathogenic for Hurler syndrome; Mucopolysaccharidosis, MPS-I-H/S; Mucopolysaccharidosis, MPS-I-S. Review status: criteria provided, single submitter. Criteria: ACMG Guidelines, 2015. Collection method: clinical testing. Allele origin: germline. Not counted in ClinVar's aggregate classification.
Comment: Absent from controls (or at extremely low frequency if recessive) in Genome Aggregation Database.;Multiple lines of computational evidence support a deleterious effect on the gene or gene product.;Well-established in vitro or in vivo functional studies supportive of a damaging effect on the gene or gene product.;For recessive disorders, detected in trans with a pathogenic variant.;Patient's phenotype or family history is highly specific for a disease with a single genetic etiology.

Literature cited by the submitters: PubMed 12189649 (cited by ClinGen Lysosomal Storage Disorder Variant Curation Expert Panel and Labcorp Genetics (formerly Invitae), Labcorp); PubMed 21480867 (cited by Natera, Inc. and Women's Health and Genetics/Laboratory Corporation of America, LabCorp); PubMed 28752568 (cited by Women's Health and Genetics/Laboratory Corporation of America, LabCorp); PubMed 15300847 (cited by Labcorp Genetics (formerly Invitae), Labcorp); PubMed 21462124 (cited by Labcorp Genetics (formerly Invitae), Labcorp); PubMed 21734815 (cited by Labcorp Genetics (formerly Invitae), Labcorp).